The following is an entry in ClinVar:

ClinVar aggregate classification (germline): Uncertain significance (1 of 4 stars; one submission).

gnomAD v4.1: 4 of 1,613,196 alleles (0.00025%); highest among the groups gnomAD compares: Non-Finnish European, 0.00034%; no homozygotes.

Submission:

GeneDx
Classification: Uncertain significance. Last evaluated: 2024-08-21. Review status: criteria provided, single submitter. Criteria: GeneDx Variant Classification Process June 2021. Collection method: clinical testing. Allele origin: germline. Affected: yes.
Comment: Not observed at significant frequency in large population cohorts (gnomAD); In silico analysis indicates that this missense variant does not alter protein structure/function; Has not been previously published as pathogenic or benign to our knowledge

NM_005529.7(HSPG2):c.9873C>G (p.Ile3291Met)

Gene: HSPG2 (heparan sulfate proteoglycan 2; minus strand). Cytogenetic location: 1p36.12.
Variant type: single nucleotide variant.
Coding change: c.9873C>G on transcript NM_005529.7 (MANE Select); coding-DNA position 9873, C replaced by G.
Protein change: p.Ile3291Met; replaces isoleucine 3291 with methionine.
Molecular consequence: missense variant.
Genome position (GRCh38, 1-based): chr1:21,839,387, G>C on the plus strand (C>G on the coding strand, the complement: HSPG2 is on the minus strand). VCF-style: chr1-21839387-G-C. GRCh37 (hg19) VCF-style: chr1-22165880-G-C.
Other names: c.9876C>G, p.Ile3292Met (NM_001291860.2); short protein forms I3291M, I3292M.
Identifiers: ClinVar variation 3764416 (VCV003764416.1).